The following is an entry in ClinVar:

NM_004055.5(CAPN5):c.400G>A (p.Val134Met)

Gene: CAPN5 (calpain 5; plus strand). Cytogenetic location: 11q13.5.
Variant type: single nucleotide variant.
Coding change: c.400G>A on transcript NM_004055.5 (MANE Select); coding-DNA position 400, G replaced by A.
Protein change: p.Val134Met; replaces valine 134 with methionine.
Molecular consequence: missense variant.
Genome position (GRCh38, 1-based): chr11:77,112,691, G>A. VCF-style: chr11-77112691-G-A. GRCh37 (hg19) VCF-style: chr11-76823737-G-A.
Other names: short protein forms V134M.
Identifiers: ClinVar variation 1348149 (VCV001348149.8), dbSNP rs201701148, ClinGen allele CA224825326.

ClinVar aggregate classification (germline): Uncertain significance. Review status: criteria provided, multiple submitters, no conflicts (2 of 4 stars). 3 submissions from 3 submitters: Uncertain significance (3). Last evaluated 2025-06-23.

Allele frequency attached by ClinVar (database versions not stated): gnomAD exomes 0.00001 and 0.00002; gnomAD 0.00002 and 0.00003; TOPMed 0.00002; ESP Exome Variant Server 0.00008.
gnomAD v4.1: 36 of 1,614,132 alleles (0.0022%); highest among the groups gnomAD compares: Middle Eastern, 0.16%; no homozygotes.

Submissions (3):

Labcorp Genetics (formerly Invitae), Labcorp
Classification: Uncertain significance. Last evaluated: 2025-06-23. Review status: criteria provided, single submitter. Criteria: Invitae Variant Classification Sherloc (09022015). Collection method: clinical testing. Allele origin: germline.
Comment: This sequence change replaces valine, which is neutral and non-polar, with methionine, which is neutral and non-polar, at codon 134 of the CAPN5 protein (p.Val134Met). This variant is present in population databases (rs201701148, gnomAD 0.008%). This variant has not been reported in the literature in individuals affected with CAPN5-related conditions. ClinVar contains an entry for this variant (Variation ID: 1348149). Invitae Evidence Modeling of protein sequence and biophysical properties (such as structural, functional, and spatial information, amino acid conservation, physicochemical variation, residue mobility, and thermodynamic stability) indicates that this missense variant is expected to disrupt CAPN5 protein function with a positive predictive value of 80%. In summary, the available evidence is currently insufficient to determine the role of this variant in disease. Therefore, it has been classified as a Variant of Uncertain Significance.

Blueprint Genetics
Classification: Uncertain significance. Last evaluated: 2024-08-15. Review status: criteria provided, single submitter. Criteria: ACMG Guidelines, 2015. Collection method: clinical testing. Allele origin: germline.

Breakthrough Genomics
Classification: Uncertain significance. Review status: criteria provided, single submitter. Criteria: ACMG Guidelines, 2015. Collection method: not provided. Allele origin: germline. Inheritance: Autosomal dominant inheritance. Affected: yes.